The following is an entry in ClinVar:

ClinVar aggregate classification (germline): Conflicting classifications of pathogenicity. Review status: criteria provided, conflicting classifications (1 of 4 stars). 2 submissions from 2 submitters: Uncertain significance (1); Benign (1). Last evaluated 2024-03-24.

Conditions:
Primary ciliary dyskinesia. Also called: Ciliary dyskinesia. Identifiers: Orphanet 244, MedGen C0008780, MONDO:0016575, HP:0012265.
Primary ciliary dyskinesia 7. Also called: CILIARY DYSKINESIA, PRIMARY, 7, WITH OR WITHOUT SITUS INVERSUS. Identifiers: Orphanet 244, MedGen C2678473, MONDO:0012748, OMIM 611884.

Allele frequency attached by ClinVar (database versions not stated): 1000 Genomes Project 30x 0.00047; 1000 Genomes Project 0.00060.
gnomAD v4.1: 25 of 1,549,136 alleles (0.0016%); highest among the groups gnomAD compares: South Asian, 0.026%; no homozygotes.

Submissions (2):

Labcorp Genetics (formerly Invitae), Labcorp
Classification: Benign for Primary ciliary dyskinesia. Last evaluated: 2024-03-24. Review status: criteria provided, single submitter. Criteria: Invitae Variant Classification Sherloc (09022015). Collection method: clinical testing. Allele origin: germline.

Neuberg Centre For Genomic Medicine, NCGM
Classification: Uncertain significance for Primary ciliary dyskinesia 7. Last evaluated: 2023-06-22. Review status: criteria provided, single submitter. Criteria: ACMG Guidelines, 2015. Collection method: clinical testing. Allele origin: germline. Inheritance: Autosomal recessive inheritance. Affected: yes.
Comment: The observed missense c.58C>T (p.Arg20Cys) variant in DNAH11 gene has been submitted to the Clinvar database as benign. The p.Arg20Cys variant is present with allele frequency of 0.003% in gnomAD Exomes. Multiple lines of computational evidence (Polyphen - Benign, SIFT - Tolerated and MutationTaster - Polymorphism) predict no damaging effect on protein structure and function for this variant. The amino acid Arg at position 20 is changed to a Cys changing protein sequence and it might alter its composition and physico-chemical properties. Additional functional studies will be required to prove the pathogenicity of this variant. For these reasons, this variant has been classified as a Variant of Uncertain Significance (VUS).

NM_001277115.2(DNAH11):c.58C>T (p.Arg20Cys)

Gene: DNAH11 (dynein axonemal heavy chain 11; plus strand). Cytogenetic location: 7p15.3.
Variant type: single nucleotide variant.
Coding change: c.58C>T on transcript NM_001277115.2 (MANE Select); coding-DNA position 58, C replaced by T.
Protein change: p.Arg20Cys; replaces arginine 20 with cysteine.
Molecular consequence: missense variant.
Genome position (GRCh38, 1-based): chr7:21,543,303, C>T. VCF-style: chr7-21543303-C-T. GRCh37 (hg19) VCF-style: chr7-21582921-C-T.
Other names: c.58C>T, p.Arg20Cys (NM_003777.3); short protein forms R20C.
Identifiers: ClinVar variation 1896237 (VCV001896237.6), dbSNP rs72655967, ClinGen allele CA4178610.